The following is an entry in ClinVar:

ClinVar aggregate classification (germline): Uncertain significance (1 of 4 stars; one submission).

Conditions:
Hereditary cancer-predisposing syndrome. Also called: Neoplastic Syndromes, Hereditary; Tumor predisposition; Hereditary Cancer Syndrome; Hereditary neoplastic syndrome. Identifiers: Orphanet 140162, MedGen C0027672, MeSH D009386, MONDO:0015356.

Submission:

Ambry Genetics
Classification: Uncertain significance for Hereditary cancer-predisposing syndrome. Last evaluated: 2022-06-30. Review status: criteria provided, single submitter. Criteria: Ambry Variant Classification Scheme 2023. Collection method: clinical testing. Allele origin: germline.
Comment: The p.S41N variant (also known as c.122G>A), located in coding exon 1 of the SMARCA4 gene, results from a G to A substitution at nucleotide position 122. The serine at codon 41 is replaced by asparagine, an amino acid with highly similar properties. This amino acid position is highly conserved in available vertebrate species. In addition, this alteration is predicted to be tolerated by in silico analysis. Missense and in-frame variants in SMARCA4 are known to cause neurodevelopmental disorders; however, such associations with rhabdoid tumor predisposition syndrome including small cell carcinoma of the ovary-hypercalcemic type (SCCOHT) are exceedingly rare (Kosho T et al. Am J Med Genet C Semin Med Genet. 2014 Sep;166C(3):262-75; Jelinic P et al. Nat Genet. 2014 May;46(5):424-6). Based on the supporting evidence, the association of this alteration with Coffin-Siris syndrome is unknown; however, the association of this alteration with rhabdoid tumor predisposition syndrome is unlikely.

NM_003072.5(SMARCA4):c.122G>A (p.Ser41Asn)

Gene: SMARCA4 (SWI/SNF related BAF chromatin remodeling complex subunit ATPase 4; plus strand). Cytogenetic location: 19p13.2.
Variant type: single nucleotide variant.
Coding change: c.122G>A on transcript NM_003072.5 (MANE Select); coding-DNA position 122, G replaced by A.
Protein change: p.Ser41Asn; replaces serine 41 with asparagine.
Molecular consequence: missense variant. On other transcripts: non-coding transcript variant (1).
Genome position (GRCh38, 1-based): chr19:10,984,273, G>A. VCF-style: chr19-10984273-G-A. GRCh37 (hg19) VCF-style: chr19-11094949-G-A.
Other names: c.122G>A, p.Ser41Asn (NM_001128844.3, NM_001128845.2, NM_001128846.2 and 6 more transcripts); short protein forms S41N.
Identifiers: ClinVar variation 1755246 (VCV001755246.2), dbSNP rs2145723918, ClinGen allele CA404054323.